The following is an entry in ClinVar:

NM_016373.4(WWOX):c.943G>C (p.Gly315Arg)

Gene: WWOX (WW domain containing oxidoreductase; plus strand). Cytogenetic location: 16q23.1.
Variant type: single nucleotide variant.
Coding change: c.943G>C on transcript NM_016373.4 (MANE Select); coding-DNA position 943, G replaced by C.
Protein change: p.Gly315Arg; replaces glycine 315 with arginine.
Molecular consequence: missense variant.
Genome position (GRCh38, 1-based): chr16:78,432,639, G>C. VCF-style: chr16-78432639-G-C. GRCh37 (hg19) VCF-style: chr16-78466536-G-C.
Other names: c.604G>C, p.Gly202Arg (NM_001291997.2); short protein forms G315R, G202R.
Identifiers: ClinVar variation 652687 (VCV000652687.1), dbSNP rs768172617, ClinGen allele CA8183569.

ClinVar aggregate classification (germline): Uncertain significance (1 of 4 stars; one submission).

Conditions:
Developmental and epileptic encephalopathy, 1 (DEE1). Also called: X-linked infantile spasms; West's syndrome; Tonic spasms with clustering, arrest of psychomotor development and hypsarrhythmia on EEG; X-Linked Infantile Spasm Syndrome; OHTAHARA SYNDROME, X-LINKED; INFANTILE SPASM SYNDROME, X-LINKED 1. Identifiers: MedGen C3463992, MONDO:0010632, OMIM 308350. Disease mechanism: loss of function.
Autosomal recessive spinocerebellar ataxia 12. Also called: SPINOCEREBELLAR ATAXIA WITH MENTAL RETARDATION AND EPILEPSY. Identifiers: Orphanet 284282, MedGen C3280452, MONDO:0013687, OMIM 614322.

gnomAD v4.1: 4 of 1,614,052 alleles (0.00025%); highest among the groups gnomAD compares: African/African-American, 0.004%; no homozygotes.

Submission:

Labcorp Genetics (formerly Invitae), Labcorp
Classification: Uncertain significance for Epileptic encephalopathy, early infantile, 1; Spinocerebellar ataxia, autosomal recessive 12. Last evaluated: 2018-10-18. Review status: criteria provided, single submitter. Criteria: Invitae Variant Classification Sherloc (09022015). Collection method: clinical testing. Allele origin: germline.
Comment: This sequence change replaces glycine with arginine at codon 315 of the WWOX protein (p.Gly315Arg). The glycine residue is highly conserved and there is a moderate physicochemical difference between glycine and arginine. This variant is present in population databases (rs768172617, ExAC 0.01%). This variant has not been reported in the literature in individuals with WWOX-related disease. Algorithms developed to predict the effect of missense changes on protein structure and function are either unavailable or do not agree on the potential impact of this missense change (SIFT: "Deleterious"; PolyPhen-2: "Possibly Damaging"; Align-GVGD: "Class C15"). In summary, the available evidence is currently insufficient to determine the role of this variant in disease. Therefore, it has been classified as a Variant of Uncertain Significance.